The following is an entry in ClinVar:

ClinVar aggregate classification (germline): Likely benign (1 of 4 stars; one submission).

gnomAD v4.1: 3 of 1,613,950 alleles (0.00019%); highest among the groups gnomAD compares: South Asian, 0.0011%; no homozygotes.

Submission:

Mayo Clinic Laboratories, Mayo Clinic
Classification: Likely benign. Last evaluated: 2025-09-02. Review status: criteria provided, single submitter. Criteria: ACMG Guidelines, 2015. Collection method: clinical testing. Allele origin: germline. Observed: 1 variant allele.
Comment: BP4, BP7, PM2_supporting

NM_001243133.2(NLRP3):c.2492+7C>A

Gene: NLRP3 (NLR family pyrin domain containing 3; plus strand). Cytogenetic location: 1q44.
Variant type: single nucleotide variant.
Coding change: c.2492+7C>A on transcript NM_001243133.2 (MANE Select); 7 bases into the intron after coding-DNA position 2492, C replaced by A.
Molecular consequence: intron variant.
Genome position (GRCh38, 1-based): chr1:247,434,280, C>A. VCF-style: chr1-247434280-C-A. GRCh37 (hg19) VCF-style: chr1-247597582-C-A.
Other names: p.?; c.2498+7C>A (NM_004895.5); c.2492+7C>A (NM_001127461.3, NM_001079821.3); c.2321+7C>A (NM_001127462.3, NM_183395.3).
Identifiers: ClinVar variation 4684430 (VCV004684430.1).